The following is an entry in ClinVar:

NM_004187.5(KDM5C):c.4040T>A (p.Val1347Asp)

Gene: KDM5C (lysine demethylase 5C; minus strand). Cytogenetic location: Xp11.22.
Variant type: single nucleotide variant.
Coding change: c.4040T>A on transcript NM_004187.5 (MANE Select); coding-DNA position 4040, T replaced by A.
Protein change: p.Val1347Asp; replaces valine 1347 with aspartic acid.
Molecular consequence: missense variant. On other transcripts: non-coding transcript variant (3).
Genome position (GRCh38, 1-based): chrX:53,193,850, A>T on the plus strand (T>A on the coding strand, the complement: KDM5C is on the minus strand). VCF-style: chrX-53193850-A-T. GRCh37 (hg19) VCF-style: chrX-53223032-A-T.
Other names: c.3839T>A, p.Val1280Asp (NM_001146702.2); c.4037T>A, p.Val1346Asp (NM_001282622.3, NM_001353979.2, NM_001353982.2); c.4040T>A, p.Val1347Asp (NM_001353978.3, NM_001353981.2, NM_001353984.2); short protein forms V1347D, V1280D, V1346D.
Identifiers: ClinVar variation 588867 (VCV000588867.5), dbSNP rs1569257275, ClinGen allele CA413105633.

ClinVar aggregate classification (germline): Uncertain significance (1 of 4 stars; one submission).

Conditions:
Inborn genetic diseases. Identifiers: MedGen C0950123, MeSH D030342.

Submission:

Ambry Genetics
Classification: Uncertain significance for Inborn genetic diseases. Last evaluated: 2017-03-13. Review status: criteria provided, single submitter. Criteria: Ambry Variant Classification Scheme 2023. Collection method: clinical testing. Allele origin: germline.
Comment: The p.V1347D variant (also known as c.4040T>A), located in coding exon 24 of the KDM5C gene, results from a T to A substitution at nucleotide position 4040. The valine at codon 1347 is replaced by aspartic acid, an amino acid with highly dissimilar properties. This amino acid position is highly conserved in available vertebrate species. In addition, this alteration is predicted to be tolerated by in silico analysis. Since supporting evidence is limited at this time, the clinical significance of this alteration remains unclear.